The following is an entry in ClinVar:

NM_001126108.2(SLC12A3):c.2938G>T (p.Gly980Trp)

Genes: SLC12A3 (solute carrier family 12 member 3; plus strand), LOC126862361 (CDK7 strongly-dependent group 2 enhancer GRCh37_chr16:56946332-56947531; plus strand). Cytogenetic location: 16q13.
Variant type: single nucleotide variant.
Coding change: c.2938G>T on transcript NM_001126108.2 (MANE Select); coding-DNA position 2938, G replaced by T.
Protein change: p.Gly980Trp; replaces glycine 980 with tryptophan.
Molecular consequence: missense variant.
Genome position (GRCh38, 1-based): chr16:56,913,277, G>T. VCF-style: chr16-56913277-G-T. GRCh37 (hg19) VCF-style: chr16-56947189-G-T.
Other names: c.2965G>T, p.Gly989Trp (NM_000339.3); c.2962G>T, p.Gly988Trp (NM_001126107.2); c.2935G>T, p.Gly979Trp (NM_001410896.1); short protein forms G979W, G988W, G980W, G989W.
Identifiers: ClinVar variation 2780349 (VCV002780349.3), dbSNP rs34803727, ClinGen allele CA396005621.

ClinVar aggregate classification (germline): Likely pathogenic (1 of 4 stars; one submission).

Submission:

Labcorp Genetics (formerly Invitae), Labcorp
Classification: Likely pathogenic. Last evaluated: 2023-03-03. Review status: criteria provided, single submitter. Criteria: Invitae Variant Classification Sherloc (09022015). Collection method: clinical testing. Allele origin: germline.
Comment: In summary, the currently available evidence indicates that the variant is pathogenic, but additional data are needed to prove that conclusively. Therefore, this variant has been classified as Likely Pathogenic. This variant disrupts the p.Gly989 amino acid residue in SLC12A3. Other variant(s) that disrupt this residue have been determined to be pathogenic (PMID: 12039972, 17329572, 18391953, 21415153, 23328711, 29942493). This suggests that this residue is clinically significant, and that variants that disrupt this residue are likely to be disease-causing. Algorithms developed to predict the effect of sequence changes on RNA splicing suggest that this variant may create or strengthen a splice site. Advanced modeling of protein sequence and biophysical properties (such as structural, functional, and spatial information, amino acid conservation, physicochemical variation, residue mobility, and thermodynamic stability) performed at Invitae indicates that this missense variant is expected to disrupt SLC12A3 protein function. This missense change has been observed in individual(s) with Gitelman syndrome (PMID: 33348466). This variant is not present in population databases (gnomAD no frequency). This sequence change replaces glycine, which is neutral and non-polar, with tryptophan, which is neutral and slightly polar, at codon 989 of the SLC12A3 protein (p.Gly989Trp).

Literature cited by the submitters: PubMed 12039972; PubMed 17329572; PubMed 18391953; PubMed 21415153; PubMed 23328711; PubMed 29942493; PubMed 33348466.